The following is an entry in ClinVar:

ClinVar aggregate classification (germline): Conflicting classifications of pathogenicity. Review status: criteria provided, conflicting classifications (1 of 4 stars). 2 submissions from 2 submitters: Uncertain significance (1); Likely benign (1). Last evaluated 2023-12-18.

Conditions:
Early-infantile DEE. Also called: Early infantile epileptic encephalopathy; Early infantile epileptic encephalopathy with suppression bursts; Ohtahara syndrome. Identifiers: Orphanet 1934, MedGen C0393706, MONDO:0800491.

Allele frequency attached by ClinVar (database versions not stated): gnomAD exomes 0.00001 and 0.00002; TOPMed 0.00001; ExAC 0.00001; gnomAD 0.00001.
gnomAD v4.1: 25 of 1,613,684 alleles (0.0015%); highest among the groups gnomAD compares: African/African-American, 0.004%; no homozygotes.

Submissions (2):

GeneDx
Classification: Uncertain significance. Last evaluated: 2023-12-18. Review status: criteria provided, single submitter. Criteria: GeneDx Variant Classification Process June 2021. Collection method: clinical testing. Allele origin: germline. Affected: yes.
Comment: Missense variants in this gene are a common cause of disease and they are underrepresented in the general population; In silico analysis supports that this missense variant has a deleterious effect on protein structure/function; Has not been previously published as pathogenic or benign to our knowledge; This substitution is predicted to be within the extracellular loop between the S5 and S6 transmembrane segments of the fourth homologous domain

Labcorp Genetics (formerly Invitae), Labcorp
Classification: Likely benign for Early-infantile DEE. Last evaluated: 2022-06-09. Review status: criteria provided, single submitter. Criteria: Invitae Variant Classification Sherloc (09022015). Collection method: clinical testing. Allele origin: germline.

NM_001165963.4(SCN1A):c.5104G>A (p.Asp1702Asn)

Genes: SCN1A (sodium voltage-gated channel alpha subunit 1; minus strand), LOC102724058 (uncharacterized LOC102724058; plus strand). Cytogenetic location: 2q24.3.
Variant type: single nucleotide variant.
Coding change: c.5104G>A on transcript NM_001165963.4 (MANE Select); coding-DNA position 5104, G replaced by A.
Protein change: p.Asp1702Asn; replaces aspartic acid 1702 with asparagine.
Molecular consequence: missense variant. On other transcripts: non-coding transcript variant (1).
Genome position (GRCh38, 1-based): chr2:165,992,171, C>T on the plus strand (G>A on the coding strand, the complement: SCN1A is on the minus strand). VCF-style: chr2-165992171-C-T. GRCh37 (hg19) VCF-style: chr2-166848681-C-T.
Other names: c.5020G>A, p.Asp1674Asn (NM_001165964.3, NM_001353957.2, NM_001353958.2); c.5104G>A, p.Asp1702Asn (NM_001202435.3, NM_001353948.2); c.5071G>A, p.Asp1691Asn (NM_001353949.2, NM_001353950.2, NM_001353951.2 and 2 more transcripts); c.5068G>A, p.Asp1690Asn (NM_001353954.2, NM_001353955.2); c.5017G>A, p.Asp1673Asn (NM_001353960.2); c.2662G>A, p.Asp888Asn (NM_001353961.2); short protein forms D1691N, D1702N, D888N, D1674N, D1673N, D1690N.
Identifiers: ClinVar variation 530466 (VCV000530466.12), dbSNP rs748333147, ClinGen allele CA1942691.